The following is an entry in ClinVar:

NM_031483.7(ITCH):c.475+3324T>C

Gene: ITCH (itchy E3 ubiquitin protein ligase; plus strand). Cytogenetic location: 20q11.22.
Variant type: single nucleotide variant.
Coding change: c.475+3324T>C on transcript NM_031483.7 (MANE Select); 3324 bases into the intron after coding-DNA position 475, T replaced by C.
Molecular consequence: intron variant. On other transcripts: missense variant (2).
Genome position (GRCh38, 1-based): chr20:34,417,203, T>C. VCF-style: chr20-34417203-T-C. GRCh37 (hg19) VCF-style: chr20-33005009-T-C.
Other names: c.562T>C, p.Ser188Pro (NM_001257137.3, NM_001324197.2); c.475+3324T>C (NM_001324198.2); c.145+3324T>C (NM_001257138.3); short protein forms S188P.
Identifiers: ClinVar variation 3770882 (VCV003770882.13).
Genomic context (GRCh38, chr20:34,417,203, plus strand): 5'-CTGGAGTGCAATAGTGCGATCTCGGCTCACTGCAACCTCTGCCTCCCGGGTTTAAGTGAT[T>C]CTCCTATCTCAGCCTCCCGAGTAGCTGGGTTTACAGGTATGCACCACCACGCCTGGCTAA-3'

ClinVar aggregate classification (germline): Likely benign (1 of 4 stars; one submission).

gnomAD v4.1: 117 of 674,918 alleles (0.017%); highest among the groups gnomAD compares: South Asian, 0.17%; 3 homozygotes.

Submission:

CeGaT Center for Human Genetics Tuebingen
Classification: Likely benign. Last evaluated: 2025-02-01. Review status: criteria provided, single submitter. Criteria: CeGaT Center For Human Genetics Tuebingen Variant Classification Criteria Version 2. Collection method: clinical testing. Allele origin: germline. Affected: yes. Observed: 1 variant allele.
Comment: ITCH: BS2